The following is an entry in ClinVar:

NM_000075.4(CDK4):c.796G>C (p.Glu266Gln)

Genes: CDK4 (cyclin dependent kinase 4; minus strand), TSPAN31 (tetraspanin 31; plus strand). Cytogenetic location: 12q14.1.
Variant type: single nucleotide variant.
Coding change: c.796G>C on transcript NM_000075.4 (MANE Select); coding-DNA position 796, G replaced by C.
Protein change: p.Glu266Gln; replaces glutamic acid 266 with glutamine.
Molecular consequence: missense variant. On other transcripts: 3 prime UTR variant (3).
Genome position (GRCh38, 1-based): chr12:57,749,205, C>G on the plus strand (G>C on the coding strand, the complement: CDK4 is on the minus strand). VCF-style: chr12-57749205-C-G. GRCh37 (hg19) VCF-style: chr12-58142988-C-G.
Other names: c.*1915C>G (NM_001330168.2, NM_001330169.2, NM_005981.5); short protein forms E266Q.
Identifiers: ClinVar variation 655431 (VCV000655431.11), dbSNP rs1193086731, ClinGen allele CA385543044.

ClinVar aggregate classification (germline): Uncertain significance. Review status: criteria provided, multiple submitters, no conflicts (2 of 4 stars). 2 submissions from 2 submitters: Uncertain significance (2). Last evaluated 2025-05-27.

Conditions:
Familial melanoma. Also called: Hereditary melanoma; Hereditary cutaneous melanoma. Identifiers: Orphanet 618, MedGen C1512419, MONDO:0018961.
Hereditary cancer-predisposing syndrome. Also called: Hereditary neoplastic syndrome; Tumor predisposition; Neoplastic Syndromes, Hereditary; Hereditary Cancer Syndrome. Identifiers: Orphanet 140162, MedGen C0027672, MeSH D009386, MONDO:0015356.

Submissions (2):

Labcorp Genetics (formerly Invitae), Labcorp
Classification: Uncertain significance for Familial melanoma. Last evaluated: 2025-05-27. Review status: criteria provided, single submitter. Criteria: Invitae Variant Classification Sherloc (09022015). Collection method: clinical testing. Allele origin: germline.
Comment: This sequence change replaces glutamic acid, which is acidic and polar, with glutamine, which is neutral and polar, at codon 266 of the CDK4 protein (p.Glu266Gln). This variant is not present in population databases (gnomAD no frequency). This variant has not been reported in the literature in individuals affected with CDK4-related conditions. ClinVar contains an entry for this variant (Variation ID: 655431). Invitae Evidence Modeling of protein sequence and biophysical properties (such as structural, functional, and spatial information, amino acid conservation, physicochemical variation, residue mobility, and thermodynamic stability) indicates that this missense variant is not expected to disrupt CDK4 protein function with a negative predictive value of 95%. In summary, the available evidence is currently insufficient to determine the role of this variant in disease. Therefore, it has been classified as a Variant of Uncertain Significance.

Ambry Genetics
Classification: Uncertain significance for Hereditary cancer-predisposing syndrome. Last evaluated: 2021-06-22. Review status: criteria provided, single submitter. Criteria: Ambry Variant Classification Scheme 2023. Collection method: clinical testing. Allele origin: germline.
Comment: The p.E266Q variant (also known as c.796G>C), located in coding exon 6 of the CDK4 gene, results from a G to C substitution at nucleotide position 796. The glutamic acid at codon 266 is replaced by glutamine, an amino acid with highly similar properties. This amino acid position is well conserved in available vertebrate species. In addition, this alteration is predicted to be tolerated by in silico analysis. Since supporting evidence is limited at this time, the clinical significance of this alteration remains unclear.